The following is an entry in ClinVar:

NM_006514.4(SCN10A):c.965G>A (p.Gly322Asp)

Gene: SCN10A (sodium voltage-gated channel alpha subunit 10; minus strand). Cytogenetic location: 3p22.2.
Variant type: single nucleotide variant.
Coding change: c.965G>A on transcript NM_006514.4 (MANE Select); coding-DNA position 965, G replaced by A.
Protein change: p.Gly322Asp; replaces glycine 322 with aspartic acid.
Molecular consequence: missense variant.
Genome position (GRCh38, 1-based): chr3:38,757,145, C>T on the plus strand (G>A on the coding strand, the complement: SCN10A is on the minus strand). VCF-style: chr3-38757145-C-T. GRCh37 (hg19) VCF-style: chr3-38798636-C-T.
Other names: c.965G>A, p.Gly322Asp (NM_001293306.2, NM_001293307.2); short protein forms G322D.
Identifiers: ClinVar variation 1767694 (VCV001767694.2), dbSNP rs373391820, ClinGen allele CA2321001.

ClinVar aggregate classification (germline): Uncertain significance (1 of 4 stars; one submission).

Conditions:
Cardiovascular phenotype. Identifiers: MedGen CN230736.

Allele frequency attached by ClinVar (database versions not stated): gnomAD exomes below 0.00001; ExAC 0.00001; gnomAD 0.00001; TOPMed 0.00001; ESP Exome Variant Server 0.00008.
gnomAD v4.1: 7 of 1,606,146 alleles (0.00044%); highest among the groups gnomAD compares: Non-Finnish European, 0.00059%; no homozygotes.

Submission:

Ambry Genetics
Classification: Uncertain significance for Cardiovascular phenotype. Last evaluated: 2021-05-17. Review status: criteria provided, single submitter. Criteria: Ambry Variant Classification Scheme 2023. Collection method: clinical testing. Allele origin: germline.
Comment: The p.G322D variant (also known as c.965G>A), located in coding exon 8 of the SCN10A gene, results from a G to A substitution at nucleotide position 965. The glycine at codon 322 is replaced by aspartic acid, an amino acid with similar properties. This amino acid position is well conserved in available vertebrate species; however, aspartic acid is the reference amino acid in other vertebrate species. In addition, this alteration is predicted to be deleterious by in silico analysis. Since supporting evidence is limited at this time, the clinical significance of this alteration remains unclear.